The following is an entry in ClinVar:

ClinVar aggregate classification (germline): Likely pathogenic (1 of 4 stars; one submission).

Conditions:
Intellectual developmental disorder with or without epilepsy or cerebellar ataxia. Identifiers: MedGen C4748041, MONDO:0060745, OMIM 618060.

Submission:

Undiagnosed Diseases Network, NIH
Classification: Likely pathogenic for Intellectual developmental disorder with or without epilepsy or cerebellar ataxia. Last evaluated: 2019-01-25. Review status: criteria provided, single submitter. Criteria: ACMG Guidelines, 2015. Collection method: clinical testing. Allele origin: unknown. Inheritance: Autosomal dominant inheritance. Affected: yes. Observed: 1 variant allele, 1 heterozygote.
Comment: The c.920-17_926delinsGCTTTCGTGTTTG is a splice site alteration variant, which is predicted to result in loss of function in the RORA gene where loss of function is a known mechanism of intellectual developmental disorder with or without epilepsy or cerebellar ataxia (OMIM 618060).

NM_134261.3(RORA):c.821-17_827delinsGCTTTCGTGTTTG

Genes: RORA (RAR related orphan receptor A; minus strand), RORA-AS1 (RORA antisense RNA 1; plus strand). Cytogenetic location: 15q22.2.
Variant type: Indel.
Coding change: c.821-17_827delinsGCTTTCGTGTTTG on transcript NM_134261.3 (MANE Select); 17 bases into the intron before coding-DNA position 821 through coding-DNA position 827, TCCCGTTTTCTCCTTAGAACACCT replaced by GCTTTCGTGTTTG.
Molecular consequence: splice acceptor variant.
Genome position (GRCh38, 1-based): chr15:60,505,623-60,505,646, AGGTGTTCTAAGGAGAAAACGGGA replaced by CAAACACGAAAGC on the plus strand (TCCCGTTTTCTCCTTAGAACACCT replaced by GCTTTCGTGTTTG on the coding strand, the reverse complement: RORA is on the minus strand). GRCh37 (hg19): chr15:60,797,822-60,797,845.
Other names: c.920-17_926delinsGCTTTCGTGTTTG (NM_134260.3); c.896-17_902delinsGCTTTCGTGTTTG (NM_002943.4); c.656-17_662delinsGCTTTCGTGTTTG (NM_134262.3).
Identifiers: ClinVar variation 636257 (VCV000636257.3), dbSNP rs1595874995, ClinGen allele CA915946025.